The following is an entry in ClinVar:

ClinVar aggregate classification (germline): Uncertain significance (1 of 4 stars; one submission).

Conditions:
Familial cancer of breast. Also called: Hereditary breast cancer; BREAST CANCER, FAMILIAL; hereditary breast carcinoma. Identifiers: Orphanet 227535, MedGen C0346153, MONDO:0016419, OMIM 114480. Disease mechanism: loss of function.

gnomAD v4.1: 1 of 1,614,178 alleles (0.000062%); no homozygotes.

Submission:

Labcorp Genetics (formerly Invitae), Labcorp
Classification: Uncertain significance for Familial cancer of breast. Last evaluated: 2023-12-24. Review status: criteria provided, single submitter. Criteria: Invitae Variant Classification Sherloc (09022015). Collection method: clinical testing. Allele origin: germline.
Comment: This sequence change replaces alanine, which is neutral and non-polar, with glutamic acid, which is acidic and polar, at codon 783 of the PALB2 protein (p.Ala783Glu). This variant is not present in population databases (gnomAD no frequency). This variant has not been reported in the literature in individuals affected with PALB2-related conditions. ClinVar contains an entry for this variant (Variation ID: 1060312). Advanced modeling of protein sequence and biophysical properties (such as structural, functional, and spatial information, amino acid conservation, physicochemical variation, residue mobility, and thermodynamic stability) performed at Invitae indicates that this missense variant is not expected to disrupt PALB2 protein function with a negative predictive value of 80%. In summary, the available evidence is currently insufficient to determine the role of this variant in disease. Therefore, it has been classified as a Variant of Uncertain Significance.

NM_024675.4(PALB2):c.2348C>A (p.Ala783Glu)

Gene: PALB2 (partner and localizer of BRCA2; minus strand). Cytogenetic location: 16p12.2.
Variant type: single nucleotide variant.
Coding change: c.2348C>A on transcript NM_024675.4 (MANE Select); coding-DNA position 2348, C replaced by A.
Protein change: p.Ala783Glu; replaces alanine 783 with glutamic acid.
Molecular consequence: missense variant.
Genome position (GRCh38, 1-based): chr16:23,629,806, G>T on the plus strand (C>A on the coding strand, the complement: PALB2 is on the minus strand). VCF-style: chr16-23629806-G-T. GRCh37 (hg19) VCF-style: chr16-23641127-G-T.
Other names: short protein forms A783E.
Identifiers: ClinVar variation 1060312 (VCV001060312.10), dbSNP rs1473991269, ClinGen allele CA395124894.